The following is an entry in ClinVar:

NM_000701.8(ATP1A1):c.991A>T (p.Asn331Tyr)

Gene: ATP1A1 (ATPase Na+/K+ transporting subunit alpha 1; plus strand). Cytogenetic location: 1p13.1.
Variant type: single nucleotide variant.
Coding change: c.991A>T on transcript NM_000701.8 (MANE Select); coding-DNA position 991, A replaced by T.
Protein change: p.Asn331Tyr; replaces asparagine 331 with tyrosine.
Molecular consequence: missense variant.
Genome position (GRCh38, 1-based): chr1:116,389,675, A>T. VCF-style: chr1-116389675-A-T. GRCh37 (hg19) VCF-style: chr1-116932297-A-T.
Other names: c.991A>T, p.Asn331Tyr (NM_001160233.2); c.898A>T, p.Asn300Tyr (NM_001160234.2); short protein forms N300Y, N331Y.
Identifiers: ClinVar variation 3970675 (VCV003970675.2).
Genomic context (GRCh38, chr1:116,389,675, plus strand): 5'-CTCATCCTTGAGTACACCTGGCTTGAGGCTGTCATCTTCCTCATCGGTATCATCGTAGCC[A>T]ATGTGCCGGAAGGTTTGCTGGCCACTGTCACGGTAAGAGGCAGGTGATGGTCACCCTGAC-3'
Protein context (NP_000692.2, residues 321-341): VIFLIGIIVA[Asn331Tyr]VPEGLLATVT

ClinVar aggregate classification (germline): Uncertain significance (1 of 4 stars; one submission).

Conditions:
Inborn genetic diseases. Identifiers: MedGen C0950123, MeSH D030342.

Submission:

Ambry Genetics
Classification: Uncertain significance for Inborn genetic diseases. Last evaluated: 2025-08-29. Review status: criteria provided, single submitter. Criteria: Ambry Variant Classification Scheme 2023. Collection method: clinical testing. Allele origin: germline.
Comment: The c.991A>T (p.N331Y) alteration is located in exon 8 (coding exon 8) of the ATP1A1 gene. This alteration results from a A to T substitution at nucleotide position 991, causing the asparagine (N) at amino acid position 331 to be replaced by a tyrosine (Y). This variant was not reported in population-based cohorts in the Genome Aggregation Database (gnomAD). This amino acid position is highly conserved in available vertebrate species. This alteration is predicted to be deleterious by in silico analysis. Based on insufficient or conflicting evidence, the clinical significance of this alteration remains unclear.